The following is an entry in ClinVar:

NM_002769.5(PRSS1):c.487G>T (p.Ala163Ser)

Genes: TRB (T cell receptor beta locus; plus strand), PRSS1 (serine protease 1; plus strand). Cytogenetic location: 7q34.
Variant type: single nucleotide variant.
Coding change: c.487G>T on transcript NM_002769.5 (MANE Select); coding-DNA position 487, G replaced by T.
Protein change: p.Ala163Ser; replaces alanine 163 with serine.
Molecular consequence: missense variant. On other transcripts: non-coding transcript variant (5).
Genome position (GRCh38, 1-based): chr7:142,752,463, G>T. VCF-style: chr7-142752463-G-T. GRCh37 (hg19) VCF-style: chr7-142460314-G-T.
Other names: short protein forms A163S.
Identifiers: ClinVar variation 1743781 (VCV001743781.3), dbSNP rs557691366, ClinGen allele CA369609497.

ClinVar aggregate classification (germline): Uncertain significance (1 of 4 stars; one submission).

Conditions:
Hereditary pancreatitis (PCTT). Also called: Hereditary chronic pancreatitis; PRSS1-Related Hereditary Pancreatitis. Identifiers: Orphanet 676, MedGen C0238339, MONDO:0008185, OMIM 167800.

gnomAD v4.1: 2 of 1,614,098 alleles (0.00012%); highest among the groups gnomAD compares: Non-Finnish European, 0.00017%; no homozygotes.

Submission:

Ambry Genetics
Classification: Uncertain significance for Hereditary pancreatitis. Last evaluated: 2023-07-01. Review status: criteria provided, single submitter. Criteria: Ambry Variant Classification Scheme 2023. Collection method: clinical testing. Allele origin: germline.
Comment: The p.A163S variant (also known as c.487G>T), located in coding exon 4 of the PRSS1 gene, results from a G to T substitution at nucleotide position 487. The alanine at codon 163 is replaced by serine, an amino acid with similar properties. This amino acid position is not well conserved in available vertebrate species. In addition, the in silico prediction for this alteration is inconclusive. Since supporting evidence is limited at this time, the clinical significance of this alteration remains unclear.